The following is an entry in ClinVar:

ClinVar aggregate classification (germline): Uncertain significance (1 of 4 stars; one submission).

Allele frequency attached by ClinVar (database versions not stated): gnomAD 0.00001; ExAC 0.00002; gnomAD exomes 0.00001; TOPMed below 0.00001.
gnomAD v4.1: 21 of 1,614,078 alleles (0.0013%); highest among the groups gnomAD compares: South Asian, 0.0022%; no homozygotes.

Submission:

Labcorp Genetics (formerly Invitae), Labcorp
Classification: Uncertain significance. Last evaluated: 2026-01-04. Review status: criteria provided, single submitter. Criteria: Invitae Variant Classification Sherloc (09022015). Collection method: clinical testing. Allele origin: germline.
Comment: This sequence change replaces arginine, which is basic and polar, with cysteine, which is neutral and slightly polar, at codon 303 of the BMP7 protein (p.Arg303Cys). This variant is present in population databases (rs770634021, gnomAD 0.002%). This variant has not been reported in the literature in individuals affected with BMP7-related conditions. ClinVar contains an entry for this variant (Variation ID: 2736973). An algorithm developed to predict the effect of missense changes on protein structure and function (PolyPhen-2) suggests that this variant is likely to be disruptive. In summary, the available evidence is currently insufficient to determine the role of this variant in disease. Therefore, it has been classified as a Variant of Uncertain Significance.

NM_001719.3(BMP7):c.907C>T (p.Arg303Cys)

Gene: BMP7 (bone morphogenetic protein 7; minus strand). Cytogenetic location: 20q13.31.
Variant type: single nucleotide variant.
Coding change: c.907C>T on transcript NM_001719.3 (MANE Select); coding-DNA position 907, C replaced by T.
Protein change: p.Arg303Cys; replaces arginine 303 with cysteine.
Molecular consequence: missense variant.
Genome position (GRCh38, 1-based): chr20:57,183,773, G>A on the plus strand (C>T on the coding strand, the complement: BMP7 is on the minus strand). VCF-style: chr20-57183773-G-A. GRCh37 (hg19) VCF-style: chr20-55758829-G-A.
Other names: short protein forms R303C.
Identifiers: ClinVar variation 2736973 (VCV002736973.3), dbSNP rs770634021, ClinGen allele CA9919663.